The following is an entry in ClinVar:

NM_001854.4(COL11A1):c.2132C>T (p.Pro711Leu)

Gene: COL11A1 (collagen type XI alpha 1 chain; minus strand). Cytogenetic location: 1p21.1.
Variant type: single nucleotide variant.
Coding change: c.2132C>T on transcript NM_001854.4 (MANE Select); coding-DNA position 2132, C replaced by T.
Protein change: p.Pro711Leu; replaces proline 711 with leucine.
Molecular consequence: missense variant. On other transcripts: non-coding transcript variant (1).
Genome position (GRCh38, 1-based): chr1:103,001,935, G>A on the plus strand (C>T on the coding strand, the complement: COL11A1 is on the minus strand). VCF-style: chr1-103001935-G-A. GRCh37 (hg19) VCF-style: chr1-103467491-G-A.
Other names: c.2015C>T, p.Pro672Leu (NM_001190709.2); c.2168C>T, p.Pro723Leu (NM_080629.3); c.1784C>T, p.Pro595Leu (NM_080630.4); short protein forms P595L, P723L, P672L, P711L.
Identifiers: ClinVar variation 1480311 (VCV001480311.8), dbSNP rs2101827358, ClinGen allele CA341170439.

ClinVar aggregate classification (germline): Uncertain significance (1 of 4 stars; one submission).

Submission:

Labcorp Genetics (formerly Invitae), Labcorp
Classification: Uncertain significance. Last evaluated: 2022-03-10. Review status: criteria provided, single submitter. Criteria: Invitae Variant Classification Sherloc (09022015). Collection method: clinical testing. Allele origin: germline.
Comment: Advanced modeling of protein sequence and biophysical properties (such as structural, functional, and spatial information, amino acid conservation, physicochemical variation, residue mobility, and thermodynamic stability) performed at Invitae indicates that this missense variant is not expected to disrupt COL11A1 protein function. In summary, the available evidence is currently insufficient to determine the role of this variant in disease. Therefore, it has been classified as a Variant of Uncertain Significance. This variant has not been reported in the literature in individuals affected with COL11A1-related conditions. This variant is not present in population databases (gnomAD no frequency). This sequence change replaces proline, which is neutral and non-polar, with leucine, which is neutral and non-polar, at codon 711 of the COL11A1 protein (p.Pro711Leu).